The following is an entry in ClinVar:

NM_001042492.3(NF1):c.1527+1519dup

Gene: NF1 (neurofibromin 1; plus strand). Cytogenetic location: 17q11.2.
Variant type: Duplication.
Coding change: c.1527+1519dup on transcript NM_001042492.3 (MANE Select); 1519 bases into the intron after coding-DNA position 1527, one base duplicated (A; older notation c.1527+1519dupA).
Molecular consequence: intron variant.
Genome position (GRCh38, 1-based): chr17:31,216,104, A duplicated; the last of 7 consecutive A bases (chr17:31,216,098-31,216,104); duplicating any one gives the same sequence. VCF-style (leftmost placement, unchanged base first): chr17-31216097-T-TA. GRCh37 (hg19) VCF-style: chr17-29543115-T-TA.
Other names: c.1527+1519dup (NM_000267.4, NM_001128147.3).
Identifiers: ClinVar variation 2647629 (VCV002647629.24), dbSNP rs551661679, ClinGen allele CA289357490.
Genomic context (GRCh38, chr17:31,216,097, plus strand): 5'-ATTAGAATAAACAGATCTTTGGCATGAAAAAATTCCATAAAACCTGTCAGTGAAACTCTA[T>TA]AAAAAAATGAAGTTCCCTTTCTCTTCATTCCTTTGTTATGTGTTACAAGCTATTTGTGGC-3'

ClinVar aggregate classification (germline): Benign (1 of 4 stars; one submission).

Submission:

CeGaT Center for Human Genetics Tuebingen
Classification: Benign. Last evaluated: 2022-04-01. Review status: criteria provided, single submitter. Criteria: CeGaT Center For Human Genetics Tuebingen Variant Classification Criteria Version 2. Collection method: clinical testing. Allele origin: germline. Affected: yes. Observed: 1 variant allele.
Comment: NF1: BS1, BS2